The following is an entry in ClinVar:

ClinVar aggregate classification (germline): Likely benign. Review status: criteria provided, multiple submitters, no conflicts (2 of 4 stars). 3 submissions from 3 submitters: Likely benign (3). Last evaluated 2026-01-04.

Allele frequency attached by ClinVar (database versions not stated): gnomAD exomes 0.00014; ExAC 0.00019; ESP Exome Variant Server 0.00038; gnomAD 0.00046 and 0.00048; TOPMed 0.00052; 1000 Genomes Project 0.00140; 1000 Genomes Project 30x 0.00141.
gnomAD v4.1: 212 of 1,613,498 alleles (0.013%); highest among the groups gnomAD compares: African/African-American, 0.1%; no homozygotes.

Submissions (3):

Labcorp Genetics (formerly Invitae), Labcorp
Classification: Likely benign. Last evaluated: 2026-01-04. Review status: criteria provided, single submitter. Criteria: Invitae Variant Classification Sherloc (09022015). Collection method: clinical testing. Allele origin: germline.

CeGaT Center for Human Genetics Tuebingen
Classification: Likely benign. Last evaluated: 2025-02-01. Review status: criteria provided, single submitter. Criteria: CeGaT Center For Human Genetics Tuebingen Variant Classification Criteria Version 2. Collection method: clinical testing. Allele origin: germline. Affected: yes. Observed: 1 variant allele.
Comment: NEK2: BP4, BP7

Blueprint Genetics
Classification: Likely benign. Last evaluated: 2024-01-09. Review status: criteria provided, single submitter. Criteria: ACMG Guidelines, 2015. Collection method: clinical testing. Allele origin: germline.

NM_002497.4(NEK2):c.672C>T (p.Leu224=)

Gene: NEK2 (NIMA related kinase 2; minus strand). Cytogenetic location: 1q32.3.
Variant type: single nucleotide variant.
Coding change: c.672C>T on transcript NM_002497.4 (MANE Select); coding-DNA position 672, C replaced by T.
Protein change: p.Leu224=; no amino-acid change (leucine 224 retained).
Molecular consequence: synonymous variant.
Genome position (GRCh38, 1-based): chr1:211,670,374, G>A on the plus strand (C>T on the coding strand, the complement: NEK2 is on the minus strand). VCF-style: chr1-211670374-G-A. GRCh37 (hg19) VCF-style: chr1-211843716-G-A.
Other names: c.672C>T, p.Leu224= (NM_001204182.2, NM_001204183.2).
Identifiers: ClinVar variation 1626599 (VCV001626599.22), dbSNP rs150725562, ClinGen allele CA1381618.